The following is an entry in ClinVar:

ClinVar aggregate classification (germline): Conflicting classifications of pathogenicity. Review status: criteria provided, conflicting classifications (1 of 4 stars). 2 submissions from 2 submitters: Uncertain significance (1); Likely benign (1). Last evaluated 2023-11-29.

Conditions:
Primary ciliary dyskinesia. Also called: Ciliary dyskinesia. Identifiers: Orphanet 244, MedGen C0008780, MONDO:0016575, HP:0012265.

Allele frequency attached by ClinVar (database versions not stated): ExAC 0.00001; 1000 Genomes Project 30x 0.00031; 1000 Genomes Project 0.00040; gnomAD exomes 0.00001 and 0.00005; TOPMed 0.00020.
gnomAD v4.1: 40 of 1,614,182 alleles (0.0025%); highest among the groups gnomAD compares: Admixed American, 0.048%; no homozygotes.

Submissions (2):

Ambry Genetics
Classification: Likely benign for Primary ciliary dyskinesia. Last evaluated: 2023-11-29. Review status: criteria provided, single submitter. Criteria: Ambry Variant Classification Scheme 2023. Collection method: clinical testing. Allele origin: germline.

Labcorp Genetics (formerly Invitae), Labcorp
Classification: Uncertain significance for Primary ciliary dyskinesia. Last evaluated: 2021-08-28. Review status: criteria provided, single submitter. Criteria: Invitae Variant Classification Sherloc (09022015). Collection method: clinical testing. Allele origin: germline.
Comment: This sequence change replaces threonine with methionine at codon 531 of the DNAAF1 protein (p.Thr531Met). The threonine residue is moderately conserved and there is a moderate physicochemical difference between threonine and methionine. This variant is present in population databases (rs193291760, ExAC 0.01%). This variant has not been reported in the literature in individuals affected with DNAAF1-related conditions. Algorithms developed to predict the effect of missense changes on protein structure and function output the following: SIFT: "Deleterious"; PolyPhen-2: "Benign"; Align-GVGD: "Class C0". The methionine amino acid residue is found in multiple mammalian species, which suggests that this missense change does not adversely affect protein function. In summary, the available evidence is currently insufficient to determine the role of this variant in disease. Therefore, it has been classified as a Variant of Uncertain Significance.

NM_178452.6(DNAAF1):c.1592C>T (p.Thr531Met)

Gene: DNAAF1 (dynein axonemal assembly factor 1; plus strand). Cytogenetic location: 16q24.1.
Variant type: single nucleotide variant.
Coding change: c.1592C>T on transcript NM_178452.6 (MANE Select); coding-DNA position 1592, C replaced by T.
Protein change: p.Thr531Met; replaces threonine 531 with methionine.
Molecular consequence: missense variant.
Genome position (GRCh38, 1-based): chr16:84,172,323, C>T. VCF-style: chr16-84172323-C-T. GRCh37 (hg19) VCF-style: chr16-84205929-C-T.
Other names: c.884C>T, p.Thr295Met (NM_001318756.1); c.1592C>T (NM_178452.4); short protein forms T295M, T531M.
Identifiers: ClinVar variation 1040128 (VCV001040128.8), dbSNP rs193291760, ClinGen allele CA8202929.